The following is an entry in ClinVar:

ClinVar aggregate classification (germline): Uncertain significance (1 of 4 stars; one submission).

Submission:

GeneDx
Classification: Uncertain significance. Last evaluated: 2026-02-08. Review status: criteria provided, single submitter. Criteria: GeneDx Variant Classification Process June 2021. Collection method: clinical testing. Allele origin: germline.
Comment: Not observed at significant frequency in large population cohorts (gnomAD); In silico analysis supports that this missense variant has a deleterious effect on protein structure/function; Has not been previously published as pathogenic or benign to our knowledge

NM_000256.3(MYBPC3):c.1013T>C (p.Phe338Ser)

Gene: MYBPC3 (myosin binding protein C3; minus strand). Cytogenetic location: 11p11.2.
Variant type: single nucleotide variant.
Coding change: c.1013T>C on transcript NM_000256.3 (MANE Select); coding-DNA position 1013, T replaced by C.
Protein change: p.Phe338Ser; replaces phenylalanine 338 with serine.
Molecular consequence: missense variant.
Genome position (GRCh38, 1-based): chr11:47,346,284, A>G on the plus strand (T>C on the coding strand, the complement: MYBPC3 is on the minus strand). VCF-style: chr11-47346284-A-G. GRCh37 (hg19) VCF-style: chr11-47367835-A-G.
Other names: short protein forms F338S.
Identifiers: ClinVar variation 4976436 (VCV004976436.1).